The following is an entry in ClinVar:

NM_020778.5(ALPK3):c.4092G>A (p.Glu1364=)

Gene: ALPK3 (alpha kinase 3; plus strand). Cytogenetic location: 15q25.3.
Variant type: single nucleotide variant.
Coding change: c.4092G>A on transcript NM_020778.5 (MANE Select); coding-DNA position 4092, G replaced by A.
Protein change: p.Glu1364=; no amino-acid change (glutamic acid 1364 retained).
Molecular consequence: synonymous variant.
Genome position (GRCh38, 1-based): chr15:84,859,902, G>A. VCF-style: chr15-84859902-G-A. GRCh37 (hg19) VCF-style: chr15-85403133-G-A.
Identifiers: ClinVar variation 4723058 (VCV004723058.1).
Genomic context (GRCh38, chr15:84,859,902, plus strand): 5'-TCGGTGCACCATCCACAATGAGCACGGCTCGGCCTCCACCGACTTCTGCCTCAGCCCTGA[G>A]GGTGAGTGTGCCCCGCGGCCCGGGGTCTCAGCCTGGCCTGGCTCCTGGTGGGTGGGCAGC-3'
Protein context (NP_065829.4, residues 1354-1374): SASTDFCLSP[Glu1364=]VLSGFISREE

ClinVar aggregate classification (germline): Uncertain significance (1 of 4 stars; one submission).

Submission:

Labcorp Genetics (formerly Invitae), Labcorp
Classification: Uncertain significance. Last evaluated: 2025-07-13. Review status: criteria provided, single submitter. Criteria: Invitae Variant Classification Sherloc (09022015). Collection method: clinical testing. Allele origin: germline.
Comment: This sequence change affects codon 1566 of the ALPK3 mRNA. It is a 'silent' change, meaning that it does not change the encoded amino acid sequence of the ALPK3 protein. It affects a nucleotide within the consensus splice site. This variant is not present in population databases (gnomAD no frequency). This variant has not been reported in the literature in individuals affected with ALPK3-related conditions. Algorithms developed to predict the effect of sequence changes on RNA splicing suggest that this variant is not likely to affect RNA splicing. In summary, the available evidence is currently insufficient to determine the role of this variant in disease. Therefore, it has been classified as a Variant of Uncertain Significance.